The following is an entry in ClinVar:

NM_003482.4(KMT2D):c.6985G>A (p.Ala2329Thr)

Gene: KMT2D (lysine methyltransferase 2D; minus strand). Cytogenetic location: 12q13.12.
Variant type: single nucleotide variant.
Coding change: c.6985G>A on transcript NM_003482.4 (MANE Select); coding-DNA position 6985, G replaced by A.
Protein change: p.Ala2329Thr; replaces alanine 2329 with threonine.
Molecular consequence: missense variant.
Genome position (GRCh38, 1-based): chr12:49,040,785, C>T on the plus strand (G>A on the coding strand, the complement: KMT2D is on the minus strand). VCF-style: chr12-49040785-C-T. GRCh37 (hg19) VCF-style: chr12-49434568-C-T.
Other names: c.6985G>A (NM_003482.3); short protein forms A2329T.
Identifiers: ClinVar variation 1573415 (VCV001573415.9), dbSNP rs938203622, ClinGen allele CA236648477.

ClinVar aggregate classification (germline): Conflicting classifications of pathogenicity. Review status: criteria provided, conflicting classifications (1 of 4 stars). 2 submissions from 2 submitters: Uncertain significance (1); Likely benign (1). Last evaluated 2024-11-03.

Conditions:
Kabuki syndrome. Also called: Kabuki make-up syndrome; NIIKAWA-KUROKI SYNDROME. Identifiers: Orphanet 2322, MedGen C0796004, MONDO:0016512.
KMT2D-related disorder. Also called: KMT2D-Related Disorders.

Allele frequency attached by ClinVar (database versions not stated): gnomAD exomes below 0.00001; gnomAD 0.00003 and 0.00004; TOPMed 0.00005.
gnomAD v4.1: 7 of 1,613,478 alleles (0.00043%); highest among the groups gnomAD compares: African/African-American, 0.0094%; no homozygotes.

Submissions (2):

PreventionGenetics, part of Exact Sciences
Classification: Uncertain significance for KMT2D-related condition. Last evaluated: 2024-11-03. Review status: criteria provided, single submitter. Criteria: ACMG Guidelines, 2015. Collection method: clinical testing. Allele origin: germline.
Comment: The KMT2D c.6985G>A variant is predicted to result in the amino acid substitution p.Ala2329Thr. To our knowledge, this variant has not been reported in the literature or in a large population database (gnomAD), indicating this variant is rare. At this time, the clinical significance of this variant is uncertain due to the absence of conclusive functional and genetic evidence.

Labcorp Genetics (formerly Invitae), Labcorp
Classification: Likely benign for Kabuki syndrome. Last evaluated: 2024-10-09. Review status: criteria provided, single submitter. Criteria: Invitae Variant Classification Sherloc (09022015). Collection method: clinical testing. Allele origin: germline.